The following is an entry in ClinVar:

ClinVar aggregate classification (germline): Likely pathogenic (0 of 4 stars; one submission).

Conditions:
Pyruvate dehydrogenase E1-alpha deficiency (PDHAD). Also called: ATAXIA, INTERMITTENT, WITH PYRUVATE DEHYDROGENASE DEFICIENCY; ATAXIA WITH LACTIC ACIDOSIS I; ATAXIA, INTERMITTENT, WITH ABNORMAL PYRUVATE METABOLISM; Ataxia, intermittent, with pyruvate dehydrogenase, or decarboxylase, deficiency. Identifiers: Orphanet 79243, MedGen C1839413, MONDO:0010717, OMIM 312170.

Submission:

PDHA1 Study Group, University Children’s Hospital, Paracelsus Medical University
Classification: Likely pathogenic for Pyruvate dehydrogenase E1-alpha deficiency. Last evaluated: 2024-10-15. Review status: no assertion criteria provided. Collection method: research. Allele origin: germline. Affected: yes. Observed: 1 variant allele.
Comment: The NM_000284.3:c.332C>T (p.Thr111Ile) substitution is a missense variant in PDHA1 gene. The variant has been reported in 1 published case (PMIDs: 36225105). Last literature search: July 12, 2024. This variant is absent or extremely rare in population-based cohorts in the Genome Aggregation Database (gnomAD). Individuals harboring this variant presented with clinical features compatible with PDHA1-related PDHc deficiency. In summary, this variant meets criteria to be classified as likely pathogenic (LP) for PDHA1-related PDHc deficiency based on the ACMG/AMP criteria applied: PM1, PM2, PP3, PP4 (last assessment October 15, 2024).

Literature cited by the submitters: PubMed 36225105; DOI 10.1093/brain/awaf430.

NM_000284.4(PDHA1):c.332C>T (p.Thr111Ile)

Gene: PDHA1 (pyruvate dehydrogenase E1 subunit alpha 1; plus strand). Cytogenetic location: Xp22.12.
Variant type: single nucleotide variant.
Coding change: c.332C>T on transcript NM_000284.4 (MANE Select); coding-DNA position 332, C replaced by T.
Protein change: p.Thr111Ile; replaces threonine 111 with isoleucine.
Molecular consequence: missense variant.
Genome position (GRCh38, 1-based): chrX:19,351,321, C>T. VCF-style: chrX-19351321-C-T. GRCh37 (hg19) VCF-style: chrX-19369439-C-T.
Other names: c.353C>T, p.Thr118Ile (NM_001173455.2); c.332C>T, p.Thr111Ile (NM_001173456.2); c.446C>T, p.Thr149Ile (NM_001173454.2); short protein forms T111I, T118I, T149I.
Identifiers: ClinVar variation 4070309 (VCV004070309.1).